The following is an entry in ClinVar:

ClinVar aggregate classification (germline): Uncertain significance (1 of 4 stars; one submission).

Allele frequency attached by ClinVar (database versions not stated): gnomAD exomes below 0.00001; gnomAD 0.00001; TOPMed 0.00002.
gnomAD v4.1: 4 of 1,613,362 alleles (0.00025%); highest among the groups gnomAD compares: African/African-American, 0.004%; no homozygotes.

Submission:

GeneDx
Classification: Uncertain significance. Last evaluated: 2022-03-15. Review status: criteria provided, single submitter. Criteria: GeneDx Variant Classification Process June 2021. Collection method: clinical testing. Allele origin: germline. Affected: yes.
Comment: Not observed at significant frequency in large population cohorts (gnomAD); In silico analysis supports that this variant does not alter splicing; Has not been previously published as pathogenic or benign to our knowledge

NM_001289104.2(PRKCSH):c.1554C>T (p.Ala518=)

Gene: PRKCSH (PRKCSH beta subunit of glucosidase II; plus strand). Cytogenetic location: 19p13.2.
Variant type: single nucleotide variant.
Coding change: c.1554C>T on transcript NM_001289104.2 (MANE Select); coding-DNA position 1554, C replaced by T.
Protein change: p.Ala518=; no amino-acid change (alanine 518 retained).
Molecular consequence: synonymous variant.
Genome position (GRCh38, 1-based): chr19:11,449,358, C>T. VCF-style: chr19-11449358-C-T. GRCh37 (hg19) VCF-style: chr19-11560173-C-T.
Other names: c.1524C>T, p.Ala508= (NM_001001329.3, NM_001289102.2, NM_001379609.1); c.1554C>T, p.Ala518= (NM_001289103.2); c.1533C>T, p.Ala511= (NM_001379608.1, NM_002743.3).
Identifiers: ClinVar variation 1706203 (VCV001706203.2), dbSNP rs951864674, ClinGen allele CA305357547.
Genomic context (GRCh38, chr19:11,449,358, plus strand): 5'-GACCAGCACCACAGAGCCCAGTCGCTGCGAGTACCTCATGGAGCTGATGACGCCAGCCGC[C>T]TGCCCGGAGCCACCGCCTGAAGCACCCACCGAAGACGACCATGACGAGCTCTAGCTGGAT-3'
Protein context (NP_001276033.1, residues 508-528): EYLMELMTPA[Ala518=]CPEPPPEAPT